The following is an entry in ClinVar:

ClinVar aggregate classification (germline): Uncertain significance (1 of 4 stars; one submission).

Conditions:
Hereditary spastic paraplegia 57. Also called: Spastic paraplegia 57, autosomal recessive. Identifiers: Orphanet 431329, MedGen C3714897, MONDO:0014295, OMIM 615658.
Hereditary motor and sensory neuropathy, Okinawa type (HMSNO). Also called: HEREDITARY MOTOR AND SENSORY NEUROPATHY, PROXIMAL TYPE. Identifiers: Orphanet 90117, MedGen C1858338, MONDO:0011468, OMIM 604484.

Submission:

Labcorp Genetics (formerly Invitae), Labcorp
Classification: Uncertain significance for Hereditary motor and sensory neuropathy, Okinawa type; Hereditary spastic paraplegia 57. Last evaluated: 2021-02-25. Review status: criteria provided, single submitter. Criteria: Invitae Variant Classification Sherloc (09022015). Collection method: clinical testing. Allele origin: germline.
Comment: In summary, the available evidence is currently insufficient to determine the role of this variant in disease. Therefore, it has been classified as a Variant of Uncertain Significance. This sequence change replaces glutamine with histidine at codon 101 of the TFG protein (p.Gln101His). The glutamine residue is highly conserved and there is a small physicochemical difference between glutamine and histidine. This variant is not present in population databases (ExAC no frequency). This variant has not been reported in the literature in individuals with TFG-related conditions. Algorithms developed to predict the effect of missense changes on protein structure and function are either unavailable or do not agree on the potential impact of this missense change (SIFT: "Deleterious"; PolyPhen-2: "Possibly Damaging"; Align-GVGD: "Class C0").

NM_006070.6(TFG):c.303G>C (p.Gln101His)

Gene: TFG (trafficking from ER to golgi regulator; plus strand). Cytogenetic location: 3q12.2.
Variant type: single nucleotide variant.
Coding change: c.303G>C on transcript NM_006070.6 (MANE Select); coding-DNA position 303, G replaced by C.
Protein change: p.Gln101His; replaces glutamine 101 with histidine.
Molecular consequence: missense variant.
Genome position (GRCh38, 1-based): chr3:100,728,746, G>C. VCF-style: chr3-100728746-G-C. GRCh37 (hg19) VCF-style: chr3-100447590-G-C.
Other names: c.303G>C, p.Gln101His (NM_001007565.2, NM_001195478.2, NM_001195479.2); short protein forms Q101H.
Identifiers: ClinVar variation 1381205 (VCV001381205.8), dbSNP rs746086227, ClinGen allele CA353842272.
Genomic context (GRCh38, chr3:100,728,746, plus strand): 5'-TAAGCAAATAAATGTTTTTATTTCAGTTAATGGCCAGCCAAGACCCCTTGAATCAAGTCA[G>C]GTGAAATATCTCCGTCGAGAACTGATAGAACTTCGAAATAAAGTGAATCGTTTATTGGAT-3'
Protein context (NP_006061.2, residues 91-111): NGQPRPLESS[Gln101His]VKYLRRELIE